The following is an entry in ClinVar:

NC_000008.10:g.(?_65509233)_(65510812_?)del

Gene: CYP7B1 (cytochrome P450 family 7 subfamily B member 1; minus strand). Cytogenetic location: 8q12.3.
Variant type: Deletion.
Identifiers: ClinVar variation 3245415 (VCV003245415.1).

ClinVar aggregate classification (germline): Pathogenic (1 of 4 stars; one submission).

Conditions:
Spastic paraplegia. Identifiers: MedGen C0037772, HP:0001258.

Submission:

Labcorp Genetics (formerly Invitae), Labcorp
Classification: Pathogenic for Spastic paraplegia. Last evaluated: 2022-03-03. Review status: criteria provided, single submitter. Criteria: Invitae Variant Classification Sherloc (09022015). Collection method: clinical testing. Allele origin: unknown.
Comment: For these reasons, this variant has been classified as Pathogenic. This variant disrupts a region of the CYP7B1 protein in which other variant(s) (p.Arg417His) have been determined to be pathogenic (PMID: 18252231, 19439420, 22384504). This suggests that this is a clinically significant region of the protein, and that variants that disrupt it are likely to be disease-causing. Variants that disrupt the consensus splice site are a relatively common cause of aberrant splicing (PMID: 17576681, 9536098). This variant has not been reported in the literature in individuals affected with CYP7B1-related conditions. This variant results in the deletion of part of exon 6 of the CYP7B1 gene. While this variant is not anticipated to result in nonsense mediated decay, it likely alters RNA splicing and results in a disrupted protein product.

Literature cited by the submitters: PubMed 18252231; PubMed 19439420; PubMed 22384504; PubMed 17576681; PubMed 9536098.